The following is an entry in ClinVar:

NM_000116.5(TAFAZZIN):c.-8G>C

Genes: DNASE1L1 (deoxyribonuclease 1 like 1; minus strand), TAFAZZIN (tafazzin, phospholipid-lysophospholipid transacylase; plus strand), LOC130068869 (ATAC-STARR-seq lymphoblastoid silent region 21101; plus strand). Cytogenetic location: Xq28.
Variant type: single nucleotide variant.
Coding change: c.-8G>C on transcript NM_000116.5 (MANE Select); 8 bases upstream of the start codon, G replaced by C.
Molecular consequence: 5 prime UTR variant. On other transcripts: non-coding transcript variant (1), intron variant (3).
Genome position (GRCh38, 1-based): chrX:154,411,836, G>C. VCF-style: chrX-154411836-G-C. GRCh37 (hg19) VCF-style: chrX-153640173-G-C.
Other names: c.-8G>C (NM_001303465.2, NM_001410698.1, NM_001440856.1 and 5 more transcripts); c.-88+55C>G (NM_001009934.3); c.-173+55C>G (NM_001009933.3); c.-431+55C>G (NM_001009932.3).
Identifiers: ClinVar variation 4986919 (VCV004986919.1).
Genomic context (GRCh38, chrX:154,411,836, plus strand): 5'-CGCAGACCTAGAGGCGCCCCACAGGCCGGCCCGGGGCGCTGGGAGCGCCGGCCGCGGGCC[G>C]GGTGGGGATGCCTCTGCACGTGAAGTGGCCGTTCCCCGCGGTGCCGCCGCTCACCTGGAC-3'

ClinVar aggregate classification (germline): Likely benign (1 of 4 stars; one submission).

Conditions:
TAFAZZIN-related disorder. Also called: TAFAZZIN-Related Disorders; TAFAZZIN-related condition.

gnomAD v4.1: 11 of 1,180,514 alleles (0.00093%); highest among the groups gnomAD compares: Non-Finnish European, 0.0011%; no homozygotes.

Submission:

PreventionGenetics, part of Exact Sciences
Classification: Likely benign for TAFAZZIN-related condition. Last evaluated: 2026-04-16. Review status: criteria provided, single submitter. Criteria: ACMG Guidelines, 2015. Collection method: clinical testing. Allele origin: germline.
Comment: This variant is classified as likely benign based on ACMG/AMP sequence variant interpretation guidelines (Richards et al. 2015 PMID: 25741868, with internal and published modifications).